The following is an entry in ClinVar:

ClinVar aggregate classification (germline): Uncertain significance (1 of 4 stars; one submission).

Conditions:
Hereditary sensory and autonomic neuropathy type 6. Also called: Neuropathy, hereditary sensory and autonomic, type VI; HSAN VI. Identifiers: Orphanet 314381, MedGen C3539003, MONDO:0013839, OMIM 614653.
Epidermolysis bullosa simplex 3, localized or generalized intermediate, with BP230 deficiency (EBS3). Also called: Epidermolysis bullosa simplex due to BP230 deficiency; Epidermolysis bullosa simplex, autosomal recessive 2. Identifiers: Orphanet 412181, MedGen C3809470, MONDO:0014180, OMIM 615425.

Submission:

Labcorp Genetics (formerly Invitae), Labcorp
Classification: Uncertain significance for Epidermolysis bullosa simplex 3, localized or generalized intermediate, with BP230 deficiency; Hereditary sensory and autonomic neuropathy type 6. Last evaluated: 2022-05-07. Review status: criteria provided, single submitter. Criteria: Invitae Variant Classification Sherloc (09022015). Collection method: clinical testing. Allele origin: germline.
Comment: In summary, the available evidence is currently insufficient to determine the role of this variant in disease. Therefore, it has been classified as a Variant of Uncertain Significance. Experimental studies and prediction algorithms are not available or were not evaluated, and the functional significance of this variant is currently unknown. This variant has not been reported in the literature in individuals affected with DST-related conditions. This variant is not present in population databases (gnomAD no frequency). This sequence change replaces glutamic acid, which is acidic and polar, with alanine, which is neutral and non-polar, at codon 3078 of the DST protein (p.Glu3078Ala). The DST gene has multiple clinically relevant transcripts. This variant occurs in alternate transcript NM_015548.4, and corresponds to NM_001723.5:c.*83167A>C in the primary transcript.

NM_001374736.1(DST):c.17102A>C (p.Glu5701Ala)

Gene: DST (dystonin; minus strand). Cytogenetic location: 6p12.1.
Variant type: single nucleotide variant.
Coding change: c.17102A>C on transcript NM_001374736.1 (MANE Select); coding-DNA position 17102, A replaced by C.
Protein change: p.Glu5701Ala; replaces glutamic acid 5701 with alanine.
Molecular consequence: missense variant.
Genome position (GRCh38, 1-based): chr6:56,532,350, T>G on the plus strand (A>C on the coding strand, the complement: DST is on the minus strand). VCF-style: chr6-56532350-T-G. GRCh37 (hg19) VCF-style: chr6-56397148-T-G.
Other names: c.10745A>C, p.Glu3582Ala (NM_001144769.5); c.10331A>C, p.Glu3444Ala (NM_001144770.2); c.17102A>C, p.Glu5701Ala (NM_001374722.1); c.16469A>C, p.Glu5490Ala (NM_001374729.1); c.10211A>C, p.Glu3404Ala (NM_001374730.1, NM_001386100.1, NM_183380.4); c.17129A>C, p.Glu5710Ala (NM_001374734.1); c.9233A>C, p.Glu3078Ala (NM_015548.5); short protein forms E3404A, E5701A, E5710A, E3078A, E3582A, E5490A, E3444A.
Identifiers: ClinVar variation 2134931 (VCV002134931.4), dbSNP rs2534884999, ClinGen allele CA364509754.